The following is an entry in ClinVar:

NM_138615.3(DHX30):c.1254A>G (p.Leu418=)

Gene: DHX30 (DExH-box helicase 30; plus strand). Cytogenetic location: 3p21.31.
Variant type: single nucleotide variant.
Coding change: c.1254A>G on transcript NM_138615.3 (MANE Select); coding-DNA position 1254, A replaced by G.
Protein change: p.Leu418=; no amino-acid change (leucine 418 retained).
Molecular consequence: synonymous variant.
Genome position (GRCh38, 1-based): chr3:47,846,326, A>G. VCF-style: chr3-47846326-A-G. GRCh37 (hg19) VCF-style: chr3-47887816-A-G.
Other names: c.1170A>G, p.Leu390= (NM_001330990.2); c.1137A>G, p.Leu379= (NM_014966.4).
Identifiers: ClinVar variation 4534450 (VCV004534450.7).
Genomic context (GRCh38, chr3:47,846,326, plus strand): 5'-AGGCAAGCCCTATGTGCCCCTGTTGGAAGCAGAGGAGGTACGTCTCAGCCAGAGTCTGCT[A>G]GAACTGTGGCGGCGGCGAGGGCCGGTCTGGCAGGAGGCCCCCCAGCTACCTGTGGACCCA-3'
Protein context (NP_619520.1, residues 408-428): AEEVRLSQSL[Leu418=]ELWRRRGPVW

ClinVar aggregate classification (germline): Likely benign. Review status: criteria provided, multiple submitters, no conflicts (2 of 4 stars). 2 submissions from 2 submitters: Likely benign (2). Last evaluated 2025-10-01.

gnomAD v4.1: 19 of 1,614,060 alleles (0.0012%); highest among the groups gnomAD compares: Non-Finnish European, 0.0015%; no homozygotes.

Submissions (2):

CeGaT Center for Human Genetics Tuebingen
Classification: Likely benign. Last evaluated: 2025-10-01. Review status: criteria provided, single submitter. Criteria: CeGaT Center For Human Genetics Tuebingen Variant Classification Criteria Version 2. Collection method: clinical testing. Allele origin: germline. Affected: yes. Observed: 1 variant allele.
Comment: DHX30: BP4, BP7

Blueprint Genetics
Classification: Likely benign. Last evaluated: 2024-11-14. Review status: criteria provided, single submitter. Criteria: ACMG Guidelines, 2015. Collection method: clinical testing. Allele origin: germline.